The following is an entry in ClinVar:

ClinVar aggregate classification (germline): Uncertain significance (1 of 4 stars; one submission).

Submission:

Dasa
Classification: Uncertain significance. Last evaluated: 2026-05-22. Review status: criteria provided, single submitter. Criteria: DASA Assertion Criteria. Collection method: clinical testing. Allele origin: germline.
Comment: NM_015335.5(MED13L):c.5917G>C (p.Gly1973Arg) is a missense variant that results in the substitution of glycine with arginine. This variant is rare in population databases. Computational prediction algorithms are consistent with a deleterious effect. The currently available literature and clinical evidence are not sufficient to establish a definitive association between this variant and the reported condition. Therefore, this variant is classified as a variant of uncertain significance.

NM_015335.5(MED13L):c.5917G>C (p.Gly1973Arg)

Gene: MED13L (mediator complex subunit 13L; minus strand). Cytogenetic location: 12q24.21.
Variant type: single nucleotide variant.
Coding change: c.5917G>C on transcript NM_015335.5 (MANE Select); coding-DNA position 5917, G replaced by C.
Protein change: p.Gly1973Arg; replaces glycine 1973 with arginine.
Molecular consequence: missense variant.
Genome position (GRCh38, 1-based): chr12:115,970,744, C>G on the plus strand (G>C on the coding strand, the complement: MED13L is on the minus strand). VCF-style: chr12-115970744-C-G. GRCh37 (hg19) VCF-style: chr12-116408549-C-G.
Other names: short protein forms G1973R.
Identifiers: ClinVar variation 5020507 (VCV005020507.1).
Genomic context (GRCh38, chr12:115,970,744, plus strand): 5'-AAGAAGCATCTTGAGGGGTGTTGAGCTGAGATGACTGCATGTTCAGTGCAGTACTTCGGC[C>G]AAAAACAGAGCCCATTGTGACAGCATCTTTAAAGAAAAAAATAGAATTATATCAATCAAT-3'
Protein context (NP_056150.1, residues 1963-1983): PDAVTMGSVF[Gly1973Arg]RSTALNMQSS